The following is an entry in ClinVar:

NM_139279.6(MCFD2):c.*2163A>G

Genes: MCFD2 (multiple coagulation factor deficiency 2, ER cargo receptor complex subunit; minus strand), MCFD2-AS1 (MCFD2 antisense RNA 1; plus strand). Cytogenetic location: 2p21.
Variant type: single nucleotide variant.
Coding change: c.*2163A>G on transcript NM_139279.6 (MANE Select); 2163 bases downstream of the stop codon, A replaced by G.
Molecular consequence: 3 prime UTR variant.
Genome position (GRCh38, 1-based): chr2:46,903,300, T>C on the plus strand (A>G on the coding strand, the complement: MCFD2 is on the minus strand). VCF-style: chr2-46903300-T-C. GRCh37 (hg19) VCF-style: chr2-47130439-T-C.
Other names: c.*2163A>G (NM_001171506.2, NM_001171507.2, NM_001171508.2 and 3 more transcripts).
Identifiers: ClinVar variation 336341 (VCV000336341.5), dbSNP rs140937815, ClinGen allele CA10613521.

ClinVar aggregate classification (germline): Benign (1 of 4 stars; one submission).

Conditions:
Factor 5 and Factor VIII, combined deficiency of, 2. Identifiers: Orphanet 35909, MedGen C3150889, MONDO:0013331, OMIM 613625.

Allele frequency attached by ClinVar (database versions not stated): gnomAD 0.02097 and 0.01934; gnomAD exomes 0.00136; 1000 Genomes Project 0.02077; 1000 Genomes Project 30x 0.02092; TOPMed 0.02201.
gnomAD v4.1: 2,931 of 156,230 alleles (1.9%); highest among the groups gnomAD compares: African/African-American, 6.5%; 104 homozygotes.

Submission:

Illumina Laboratory Services, Illumina
Classification: Benign for Factor 5 and Factor VIII, combined deficiency of, 2. Last evaluated: 2018-01-13. Review status: criteria provided, single submitter. Criteria: ICSL Variant Classification Criteria 13 December 2019. Collection method: clinical testing. Allele origin: germline.
Comment: This variant was observed in the ICSL laboratory as part of a predisposition screen in an ostensibly healthy population. It had not been previously curated by ICSL or reported in the Human Gene Mutation Database (HGMD: prior to June 1st, 2018), and was therefore a candidate for classification through an automated scoring system. Utilizing variant allele frequency, disease prevalence and penetrance estimates, and inheritance mode, an automated score was calculated to assess if this variant is too frequent to cause the disease. Based on the score and internal cut-off values, a variant classified as benign is not then subjected to further curation. The score for this variant resulted in a classification of benign for this disease.